The following is an entry in ClinVar:

NM_000540.3(RYR1):c.5537C>T (p.Ser1846Phe)

Gene: RYR1 (ryanodine receptor 1; plus strand). Cytogenetic location: 19q13.2.
Variant type: single nucleotide variant.
Coding change: c.5537C>T on transcript NM_000540.3 (MANE Select); coding-DNA position 5537, C replaced by T.
Protein change: p.Ser1846Phe; replaces serine 1846 with phenylalanine.
Molecular consequence: missense variant.
Genome position (GRCh38, 1-based): chr19:38,486,192, C>T. VCF-style: chr19-38486192-C-T. GRCh37 (hg19) VCF-style: chr19-38976832-C-T.
Other names: c.5537C>T, p.Ser1846Phe (NM_001042723.2); short protein forms S1846F.
Identifiers: ClinVar variation 3387746 (VCV003387746.2).

ClinVar aggregate classification (germline): Uncertain significance. Review status: criteria provided, multiple submitters, no conflicts (2 of 4 stars). 2 submissions from 2 submitters: Uncertain significance (2). Last evaluated 2025-07-24.

Conditions:
Inborn genetic diseases. Identifiers: MedGen C0950123, MeSH D030342.
Malignant hyperthermia, susceptibility to, 1 (MHS1). Also called: Anesthesia related hyperthermia; Malignant hyperpyrexia; Fulminating hyperpyrexia; Pharmacogenic myopathy; RYR1-Related Malignant Hyperthermia Susceptibility; Malignant hyperthermia suceptibility 1. Identifiers: Orphanet 423, MedGen C2930980, MONDO:0007783, OMIM 145600.

gnomAD v4.1: 9 of 1,612,798 alleles (0.00056%); highest among the groups gnomAD compares: South Asian, 0.0011%; no homozygotes.

Submissions (2):

Ambry Genetics
Classification: Uncertain significance for Inborn genetic diseases. Last evaluated: 2025-07-24. Review status: criteria provided, single submitter. Criteria: Ambry Variant Classification Scheme 2023. Collection method: clinical testing. Allele origin: germline.

All of Us Research Program, National Institutes of Health
Classification: Uncertain significance for Malignant hyperthermia, susceptibility to, 1. Last evaluated: 2024-06-11. Review status: criteria provided, single submitter. Criteria: ACMG Guidelines, 2015. Collection method: clinical testing. Allele origin: germline. Inheritance: Autosomal dominant inheritance. Observed: 1 variant allele, 1 heterozygote.
Comment: This study involves interpretation of variants in research participants for the purpose of population health screening. Participant phenotype was not available at the time of variant classification. Additional details can be found in publication PMID: 35346344, PMCID: PMC8962531